The following is an entry in ClinVar:

ClinVar aggregate classification (germline): Benign/Likely benign. Review status: criteria provided, multiple submitters, no conflicts (2 of 4 stars). 5 submissions from 5 submitters: Benign (2); Likely benign (2). 1 of the submissions does not count toward it. Last evaluated 2026-01-28.

Conditions:
LRP2-related disorder. Also called: LRP2-related condition.
Donnai-Barrow syndrome. Also called: DBS/FOAR SYNDROME; FACIOOCULOACOUSTICORENAL SYNDROME. Identifiers: Orphanet 2143, MedGen C1857277, MONDO:0009104, OMIM 222448.

Allele frequency attached by ClinVar (database versions not stated): gnomAD 0.00001 and 0.00007; TOPMed 0.00008; gnomAD exomes 0.00021 and 0.00059; 1000 Genomes Project 30x 0.00062; ExAC 0.00068; 1000 Genomes Project 0.00080.
gnomAD v4.1: 340 of 1,614,160 alleles (0.021%); highest among the groups gnomAD compares: South Asian, 0.32%; 1 homozygote.

Submissions (5):

Labcorp Genetics (formerly Invitae), Labcorp
Classification: Benign. Last evaluated: 2026-01-28. Review status: criteria provided, single submitter. Criteria: Invitae Variant Classification Sherloc (09022015). Collection method: clinical testing. Allele origin: germline.

Blueprint Genetics
Classification: Likely benign. Last evaluated: 2024-08-17. Review status: criteria provided, single submitter. Criteria: ACMG Guidelines, 2015. Collection method: clinical testing. Allele origin: germline.

Genome-Nilou Lab
Classification: Benign for Donnai-Barrow syndrome. Last evaluated: 2021-07-15. Review status: criteria provided, single submitter. Criteria: ACMG Guidelines, 2015. Collection method: clinical testing. Allele origin: germline. Affected: no.

Illumina Laboratory Services, Illumina
Classification: Likely benign for Donnai-Barrow syndrome. Last evaluated: 2018-01-13. Review status: criteria provided, single submitter. Criteria: ICSL Variant Classification Criteria 13 December 2019. Collection method: clinical testing. Allele origin: germline.
Comment: This variant was observed in the ICSL laboratory as part of a predisposition screen in an ostensibly healthy population. It had not been previously curated by ICSL or reported in the Human Gene Mutation Database (HGMD: prior to June 1st, 2018), and was therefore a candidate for classification through an automated scoring system. Utilizing variant allele frequency, disease prevalence and penetrance estimates, and inheritance mode, an automated score was calculated to assess if this variant is too frequent to cause the disease. Based on the score and internal cut-off values, a variant classified as likely benign is not then subjected to further curation. The score for this variant resulted in a classification of likely benign for this disease.

PreventionGenetics, part of Exact Sciences
Classification: Likely benign for LRP2-related condition. Last evaluated: 2024-05-19. Review status: no assertion criteria provided. Collection method: clinical testing. Allele origin: germline. Not counted in ClinVar's aggregate classification.
Comment: This variant is classified as likely benign based on ACMG/AMP sequence variant interpretation guidelines (Richards et al. 2015 PMID: 25741868, with internal and published modifications).

NM_004525.3(LRP2):c.11244C>T (p.Asn3748=)

Gene: LRP2 (LDL receptor related protein 2; minus strand). Cytogenetic location: 2q31.1.
Variant type: single nucleotide variant.
Coding change: c.11244C>T on transcript NM_004525.3 (MANE Select); coding-DNA position 11244, C replaced by T.
Protein change: p.Asn3748=; no amino-acid change (asparagine 3748 retained).
Molecular consequence: synonymous variant.
Genome position (GRCh38, 1-based): chr2:169,172,034, G>A on the plus strand (C>T on the coding strand, the complement: LRP2 is on the minus strand). VCF-style: chr2-169172034-G-A. GRCh37 (hg19) VCF-style: chr2-170028544-G-A.
Identifiers: ClinVar variation 729303 (VCV000729303.16), dbSNP rs542010522, ClinGen allele CA1953144.